The following is an entry in ClinVar:

NM_001904.4(CTNNB1):c.486C>T (p.Asp162=)

Genes: CTNNB1 (catenin beta 1; plus strand), LOC126806658 (BRD4-independent group 4 enhancer GRCh37_chr3:41265899-41267098; plus strand). Cytogenetic location: 3p22.1.
Variant type: single nucleotide variant.
Coding change: c.486C>T on transcript NM_001904.4 (MANE Select); coding-DNA position 486, C replaced by T.
Protein change: p.Asp162=; no amino-acid change (aspartic acid 162 retained).
Molecular consequence: synonymous variant.
Genome position (GRCh38, 1-based): chr3:41,225,198, C>T. VCF-style: chr3-41225198-C-T. GRCh37 (hg19) VCF-style: chr3-41266689-C-T.
Other names: c.486C>T, p.Asp162= (NM_001098209.2, NM_001098210.2); c.465C>T, p.Asp155= (NM_001330729.2).
Identifiers: ClinVar variation 210806 (VCV000210806.52), dbSNP rs5743392, ClinGen allele CA208286.

ClinVar aggregate classification (germline): Conflicting classifications of pathogenicity. Review status: criteria provided, conflicting classifications (1 of 4 stars). 6 submissions from 6 submitters: Uncertain significance (1); Benign (2); Likely benign (2). 1 of the submissions does not count toward it. Last evaluated 2026-09-01.

Conditions:
CTNNB1-related disorder. Also called: CTNNB1-related condition.

Allele frequency attached by ClinVar (database versions not stated): 1000 Genomes Project 0.00040; 1000 Genomes Project 30x 0.00047; ESP Exome Variant Server 0.00108; ExAC 0.00114; gnomAD 0.00122 and 0.00123; gnomAD exomes 0.00123 and 0.00125; TOPMed 0.00124.
gnomAD v4.1: 1,981 of 1,614,028 alleles (0.12%); highest among the groups gnomAD compares: Middle Eastern, 0.31%; 2 homozygotes.

Submissions (6):

CeGaT Center for Human Genetics Tuebingen
Classification: Likely benign. Last evaluated: 2026-09-01. Review status: criteria provided, single submitter. Criteria: CeGaT Center For Human Genetics Tuebingen Variant Classification Criteria Version 2. Collection method: clinical testing. Allele origin: germline. Affected: yes. Observed: 23 variant alleles.
Comment: CTNNB1: BP4, BP7, BS1

Labcorp Genetics (formerly Invitae), Labcorp
Classification: Benign. Last evaluated: 2026-01-21. Review status: criteria provided, single submitter. Criteria: Invitae Variant Classification Sherloc (09022015). Collection method: clinical testing. Allele origin: germline.

Blueprint Genetics
Classification: Likely benign. Last evaluated: 2024-11-20. Review status: criteria provided, single submitter. Criteria: ACMG Guidelines, 2015. Collection method: clinical testing. Allele origin: germline.

GeneDx
Classification: Benign. Last evaluated: 2019-02-14. Review status: criteria provided, single submitter. Criteria: GeneDx Variant Classification Process June 2021. Collection method: clinical testing. Allele origin: germline. Affected: yes.

Genetic Services Laboratory, University of Chicago
Classification: Uncertain significance. Last evaluated: 2014-11-26. Review status: criteria provided, single submitter. Criteria: ACMG Guidelines, 2015. Collection method: clinical testing. Allele origin: germline.

PreventionGenetics, part of Exact Sciences
Classification: Benign for CTNNB1-related condition. Last evaluated: 2019-04-10. Review status: no assertion criteria provided. Collection method: clinical testing. Allele origin: germline. Not counted in ClinVar's aggregate classification.
Comment: This variant is classified as benign based on ACMG/AMP sequence variant interpretation guidelines (Richards et al. 2015 PMID: 25741868, with internal and published modifications).